The following is an entry in ClinVar:

NM_000321.3(RB1):c.2539A>C (p.Lys847Gln)

Gene: RB1 (RB transcriptional corepressor 1; plus strand). Cytogenetic location: 13q14.2.
Variant type: single nucleotide variant.
Coding change: c.2539A>C on transcript NM_000321.3 (MANE Select); coding-DNA position 2539, A replaced by C.
Protein change: p.Lys847Gln; replaces lysine 847 with glutamine.
Molecular consequence: missense variant. On other transcripts: 5 prime UTR variant (1).
Genome position (GRCh38, 1-based): chr13:48,476,719, A>C. VCF-style: chr13-48476719-A-C. GRCh37 (hg19) VCF-style: chr13-49050855-A-C.
Other names: c.2539A>C, p.Lys847Gln (NM_001407165.1); c.-12A>C (NM_001407168.1); short protein forms K847Q.
Identifiers: ClinVar variation 3075650 (VCV003075650.2), dbSNP rs2138358973, ClinGen allele CA388168222.

ClinVar aggregate classification (germline): Uncertain significance. Review status: criteria provided, multiple submitters, no conflicts (2 of 4 stars). 2 submissions from 2 submitters: Uncertain significance (2). Last evaluated 2026-07-06.

Conditions:
Retinoblastoma (RB1). Also called: RETINOBLASTOMA, SOMATIC. Identifiers: Orphanet 790, MedGen C0035335, MeSH D012175, MONDO:0008380, OMIM 180200, HP:0009919. Disease mechanism: loss of function. Inheritance: Both sporadic and heritable forms are tested..
Hereditary cancer-predisposing syndrome. Also called: Tumor predisposition; Hereditary Cancer Syndrome; Neoplastic Syndromes, Hereditary; Hereditary neoplastic syndrome. Identifiers: Orphanet 140162, MedGen C0027672, MeSH D009386, MONDO:0015356.

Submissions (2):

Ambry Genetics
Classification: Uncertain significance for Hereditary cancer-predisposing syndrome. Last evaluated: 2026-07-06. Review status: criteria provided, single submitter. Criteria: Ambry Variant Classification Scheme 2023. Collection method: clinical testing. Allele origin: germline.
Comment: The p.K847Q variant (also known as c.2539A>C), located in coding exon 25 of the RB1 gene, results from an A to C substitution at nucleotide position 2539. The lysine at codon 847 is replaced by glutamine, an amino acid with similar properties. This amino acid position is conserved. In addition, the in silico prediction for this alteration is inconclusive. Based on the available evidence, the clinical significance of this variant remains unclear.

All of Us Research Program, National Institutes of Health
Classification: Uncertain significance for Retinoblastoma. Last evaluated: 2023-06-26. Review status: criteria provided, single submitter. Criteria: ACMG Guidelines, 2015. Collection method: clinical testing. Allele origin: germline. Inheritance: Autosomal dominant inheritance. Observed: 1 variant allele, 1 heterozygote.
Comment: This missense variant replaces lysine with glutamine at codon 847 of the RB1 protein. Computational prediction is inconclusive regarding the impact of this variant on protein structure and function (internally defined REVEL score threshold 0.5 < inconclusive < 0.7, PMID: 27666373). To our knowledge, functional studies have not been reported for this variant. This variant has not been reported in individuals affected with RB1-related disorders in the literature. This variant has not been identified in the general population by the Genome Aggregation Database (gnomAD). The available evidence is insufficient to determine the role of this variant in disease conclusively. Therefore, this variant is classified as a Variant of Uncertain Significance.

This study involves interpretation of variants in research participants for the purpose of population health screening. Participant phenotype was not available at the time of variant classification. Additional details can be found in publication PMID: 35346344, PMCID: PMC8962531